The following is an entry in ClinVar:

NM_181882.3(PRX):c.862G>A (p.Val288Met)

Gene: PRX (periaxin; minus strand). Cytogenetic location: 19q13.2.
Variant type: single nucleotide variant.
Coding change: c.862G>A on transcript NM_181882.3 (MANE Select); coding-DNA position 862, G replaced by A.
Protein change: p.Val288Met; replaces valine 288 with methionine.
Molecular consequence: missense variant. On other transcripts: 3 prime UTR variant (1).
Genome position (GRCh38, 1-based): chr19:40,397,490, C>T on the plus strand (G>A on the coding strand, the complement: PRX is on the minus strand). VCF-style: chr19-40397490-C-T. GRCh37 (hg19) VCF-style: chr19-40903397-C-T.
Other names: c.*1067G>A (NM_020956.2); short protein forms V288M.
Identifiers: ClinVar variation 1330994 (VCV001330994.12), dbSNP rs568618329, ClinGen allele CA9444365.

ClinVar aggregate classification (germline): Uncertain significance. Review status: criteria provided, multiple submitters, no conflicts (2 of 4 stars). 4 submissions from 4 submitters: Uncertain significance (4). Last evaluated 2025-05-20.

Conditions:
Inborn genetic diseases. Identifiers: MedGen C0950123, MeSH D030342.
Charcot-Marie-Tooth disease type 4. Also called: Charcot-Marie-Tooth, Type 4; Charcot-Marie-Tooth disease, type IV. Identifiers: Orphanet 64749, MedGen C4082197, MONDO:0018995.

Allele frequency attached by ClinVar (database versions not stated): TOPMed 0.00008; gnomAD exomes 0.00009; ExAC 0.00015; 1000 Genomes Project 30x 0.00016; 1000 Genomes Project 0.00020.
gnomAD v4.1: 57 of 1,560,324 alleles (0.0037%); highest among the groups gnomAD compares: African/African-American, 0.02%; no homozygotes.

Submissions (4):

Women's Health and Genetics/Laboratory Corporation of America, LabCorp
Classification: Uncertain significance. Last evaluated: 2025-05-20. Review status: criteria provided, single submitter. Criteria: LabCorp Variant Classification Summary - May 2015. Collection method: clinical testing. Allele origin: germline.
Comment: Variant summary: PRX c.862G>A (p.Val288Met) results in a conservative amino acid change in the encoded protein sequence. Algorithms developed to predict the effect of missense changes on protein structure and function all suggest that this variant is likely to be tolerated. The variant allele was found at a frequency of 9e-05 in 155774 control chromosomes. This frequency is not significantly higher than estimated for a pathogenic variant in PRX causing Charcot-Marie-Tooth disease type 4F (9e-05 vs 0.0011), allowing no conclusion about variant significance. To our knowledge, no occurrence of c.862G>A in individuals affected with Charcot-Marie-Tooth disease type 4F and no experimental evidence demonstrating its impact on protein function have been reported. ClinVar contains an entry for this variant (Variation ID: 1330994). Based on the evidence outlined above, the variant was classified as uncertain significance.

Ambry Genetics
Classification: Uncertain significance for Inborn genetic diseases. Last evaluated: 2023-06-29. Review status: criteria provided, single submitter. Criteria: Ambry Variant Classification Scheme 2023. Collection method: clinical testing. Allele origin: germline.

Labcorp Genetics (formerly Invitae), Labcorp
Classification: Uncertain significance for Charcot-Marie-Tooth disease type 4. Last evaluated: 2022-08-21. Review status: criteria provided, single submitter. Criteria: Invitae Variant Classification Sherloc (09022015). Collection method: clinical testing. Allele origin: germline.
Comment: This sequence change replaces valine, which is neutral and non-polar, with methionine, which is neutral and non-polar, at codon 288 of the PRX protein (p.Val288Met). This variant is present in population databases (rs568618329, gnomAD 0.04%). This variant has not been reported in the literature in individuals affected with PRX-related conditions. ClinVar contains an entry for this variant (Variation ID: 1330994). Algorithms developed to predict the effect of missense changes on protein structure and function output the following: SIFT: "Tolerated"; PolyPhen-2: "Benign"; Align-GVGD: "Class C0". The methionine amino acid residue is found in multiple mammalian species, which suggests that this missense change does not adversely affect protein function. In summary, the available evidence is currently insufficient to determine the role of this variant in disease. Therefore, it has been classified as a Variant of Uncertain Significance.

ARUP Laboratories, Molecular Genetics and Genomics, ARUP Laboratories
Classification: Uncertain significance. Last evaluated: 2021-07-20. Review status: criteria provided, single submitter. Criteria: ARUP Molecular Germline Variant Investigation Process 2021. Collection method: clinical testing. Allele origin: germline.
Comment: The PRX c.862G>A; p.Val288Met variant (rs568618329), to our knowledge, is not reported in the medical literature or gene-specific databases. This variant is found in the general population with an overall allele frequency of 0.01% (16/187124 alleles) in the Genome Aggregation Database. The valine at codon 288 is weakly conserved, and computational analyses predict that this variant is neutral (REVEL: 0.01). However, due to limited information, the clinical significance of the p.Val288Met variant is uncertain at this time.